The following is an entry in ClinVar:

ClinVar aggregate classification (germline): Pathogenic (1 of 4 stars; one submission).

gnomAD v4.1: 3 of 1,613,912 alleles (0.00019%); highest among the groups gnomAD compares: African/African-American, 0.004%; no homozygotes.

Submission:

Labcorp Genetics (formerly Invitae), Labcorp
Classification: Pathogenic. Last evaluated: 2023-12-20. Review status: criteria provided, single submitter. Criteria: Invitae Variant Classification Sherloc (09022015). Collection method: clinical testing. Allele origin: germline.
Comment: This sequence change creates a premature translational stop signal (p.Glu107*) in the MECR gene. It is expected to result in an absent or disrupted protein product. Loss-of-function variants in MECR are known to be pathogenic (PMID: 27817865). This variant is present in population databases (no rsID available, gnomAD 0.007%). This variant has not been reported in the literature in individuals affected with MECR-related conditions. For these reasons, this variant has been classified as Pathogenic.

Literature cited by the submitters: PubMed 27817865.

NM_016011.5(MECR):c.319G>T (p.Glu107Ter)

Gene: MECR (mitochondrial trans-2-enoyl-CoA reductase; minus strand). Cytogenetic location: 1p35.3.
Variant type: single nucleotide variant.
Coding change: c.319G>T on transcript NM_016011.5 (MANE Select); coding-DNA position 319, G replaced by T.
Protein change: p.Glu107Ter; replaces glutamic acid 107 with a stop codon.
Molecular consequence: nonsense. On other transcripts: non-coding transcript variant (4).
Genome position (GRCh38, 1-based): chr1:29,216,092, C>A on the plus strand (G>T on the coding strand, the complement: MECR is on the minus strand). VCF-style: chr1-29216092-C-A. GRCh37 (hg19) VCF-style: chr1-29542604-C-A.
Other names: c.91G>T, p.Glu31Ter (NM_001024732.4, NM_001349711.2, NM_001349712.2 and 2 more transcripts); c.424G>T, p.Glu142Ter (NM_001349715.2); c.403G>T, p.Glu135Ter (NM_001349716.2); c.169G>T, p.Glu57Ter (NM_001349717.2); short protein forms E57*, E135*, E107*, E142*, E31*.
Identifiers: ClinVar variation 2778848 (VCV002778848.3), dbSNP rs765731318, ClinGen allele CA339548366.